The following is an entry in ClinVar:

ClinVar aggregate classification (germline): Conflicting classifications of pathogenicity. Review status: criteria provided, conflicting classifications (1 of 4 stars). 13 submissions from 12 submitters: Uncertain significance (6); Benign (1); Likely benign (6). Last evaluated 2026-04-29.

Conditions:
WHRN-related disorder. Also called: WHRN-related condition.
Retinitis pigmentosa-deafness syndrome. Also called: Retinitis pigmentosa 8, formerly; RP8, formerly; Retinitis pigmentosa 21, formerly; RP21, formerly; RETINITIS PIGMENTOSA 21; RETINITIS PIGMENTOSA 8. Identifiers: MedGen C5779620, MONDO:0010775, OMIM 500004.
Usher syndrome type 2D. Also called: USHER SYNDROME, TYPE IID. Identifiers: Orphanet 231178, Orphanet 886, MedGen C1568249, MONDO:0012662, OMIM 611383.
Autosomal recessive nonsyndromic hearing loss 31. Also called: WHIRLER, MOUSE, HOMOLOG OF. Identifiers: Orphanet 90636, MedGen C1846839, MONDO:0011767, OMIM 607084.

Allele frequency attached by ClinVar (database versions not stated): 1000 Genomes Project 0.00060; 1000 Genomes Project 30x 0.00109; gnomAD exomes 0.00111; gnomAD 0.00130; ExAC 0.00148; TOPMed 0.00158.
gnomAD v4.1: 2,320 of 1,495,928 alleles (0.16%); highest among the groups gnomAD compares: Non-Finnish European, 0.18%; 4 homozygotes.

Submissions (13):

Women's Health and Genetics/Laboratory Corporation of America, LabCorp
Classification: Likely benign. Last evaluated: 2026-04-29. Review status: criteria provided, single submitter. Criteria: LabCorp Variant Classification Summary - May 2015. Collection method: clinical testing. Allele origin: germline.
Comment: Variant summary: WHRN c.33C>G (p.Ser11Arg) results in a non-conservative amino acid change in the encoded protein sequence. Algorithms developed to predict the effect of missense changes on protein structure and function are either unavailable or do not agree on the potential impact of this missense change. The variant allele was found at a frequency of 0.0016 in 1495928 control chromosomes, predominantly at a frequency of 0.0053 within the Ashkenazi Jewish subpopulation in the gnomAD database, including 2 homozygotes. The observed variant frequency within Ashkenazi Jewish control individuals in the gnomAD database exceeds the estimated maximal expected allele frequency for disease-causing variants in WHRN. c.33C>G has been observed in individuals affected with and/or with clinical features of Usher Syndrome, without strong evidence for causality (e.g. Bonnet_2011, Shearer_2013, Dieiro_2020). These reports do not provide unequivocal conclusions about the association of the variant with Usher Syndrome. To our knowledge, no experimental evidence demonstrating an impact on protein function has been reported. The following publications have been ascertained in the context of this evaluation (PMID: 30245029, 21569298, 32483926, 23804846). ClinVar contains an entry for this variant (Variation ID: 45677). Based on the evidence outlined above, the variant was classified as likely benign.

PreventionGenetics, part of Exact Sciences
Classification: Likely benign for WHRN-related condition. Last evaluated: 2026-01-29. Review status: criteria provided, single submitter. Criteria: ACMG Guidelines, 2015. Collection method: clinical testing. Allele origin: germline.
Comment: This variant is classified as likely benign based on ACMG/AMP sequence variant interpretation guidelines (Richards et al. 2015 PMID: 25741868, with internal and published modifications).

Labcorp Genetics (formerly Invitae), Labcorp
Classification: Likely benign. Last evaluated: 2026-01-28. Review status: criteria provided, single submitter. Criteria: Invitae Variant Classification Sherloc (09022015). Collection method: clinical testing. Allele origin: germline.

Mayo Clinic Laboratories, Mayo Clinic
Classification: Uncertain significance. Last evaluated: 2025-09-09. Review status: criteria provided, single submitter. Criteria: ACMG Guidelines, 2015. Collection method: clinical testing. Allele origin: germline. Observed: 1 variant allele.
Comment: BS1_supporting

Blueprint Genetics
Classification: Likely benign. Last evaluated: 2024-11-20. Review status: criteria provided, single submitter. Criteria: ACMG Guidelines, 2015. Collection method: clinical testing. Allele origin: germline.

GeneDx
Classification: Likely benign. Last evaluated: 2022-07-30. Review status: criteria provided, single submitter. Criteria: GeneDx Variant Classification Process June 2021. Collection method: clinical testing. Allele origin: germline. Affected: yes.
Comment: See Variant Classification Assertion Criteria.

ARUP Laboratories, Molecular Genetics and Genomics, ARUP Laboratories
Classification: Uncertain significance. Last evaluated: 2022-03-01. Review status: criteria provided, single submitter. Criteria: ARUP Molecular Germline Variant Investigation Process 2021. Collection method: clinical testing. Allele origin: germline.
Comment: The p.Ser11Arg variant (rs45527543) has been previously reported in a patient with a clinical diagnosis of Usher Syndrome II (Bonnet 2011). However, the patient reported in Bonnet et al (2011) carried no other relevant variants in the WHRN gene, but did harbor two pathogenic variants in ADGRV1 in a trans heterozygous configuration. This variant is listed in the Genome Aggregation Database (gnomAD) browser with a frequency in Ashkenazi Jewish populations of 0.37% (identified in 21 out of 5,650 chromosomes), and is listed in the ClinVar database with conflicting interpretations of pathogenicity (Variation ID: 45677). The serine at codon 11 is moderately conserved considering 12 species (Alamut software v2.9), and computational analyses suggest this variant has/does not have a significant effect on WHRN protein structure/function (SIFT: tolerated, PolyPhen2: benign, and Mutation Taster: polymorphism). However, based on the available information, the clinical significance of the p.Ser11Arg variant cannot be determined with certainty.

CeGaT Center for Human Genetics Tuebingen
Classification: Uncertain significance. Last evaluated: 2020-10-01. Review status: criteria provided, single submitter. Criteria: CeGaT Center For Human Genetics Tuebingen Variant Classification Criteria Version 2. Collection method: clinical testing. Allele origin: germline. Affected: yes. Observed: 1 variant allele.

Mendelics
Classification: Benign for Retinitis pigmentosa-deafness syndrome. Last evaluated: 2019-05-28. Review status: criteria provided, single submitter. Criteria: Mendelics Assertion Criteria 2017. Collection method: clinical testing. Allele origin: unknown.

Illumina Laboratory Services, Illumina
Classification: Uncertain significance for Autosomal recessive nonsyndromic hearing loss 31. Last evaluated: 2017-04-27. Review status: criteria provided, single submitter. Criteria: ICSL Variant Classification Criteria 13 December 2019. Collection method: clinical testing. Allele origin: germline.

Illumina Laboratory Services, Illumina
Classification: Uncertain significance for Usher syndrome type 2D. Last evaluated: 2017-04-27. Review status: criteria provided, single submitter. Criteria: ICSL Variant Classification Criteria 13 December 2019. Collection method: clinical testing. Allele origin: germline.
Comment: This variant was observed as part of a predisposition screen in an ostensibly healthy population. A literature search was performed for the gene, cDNA change, and amino acid change (where applicable). Publications were found based on this search. However, the evidence from the literature, in combination with allele frequency data from public databases where available, was not sufficient to rule this variant in or out of causing disease. Therefore, this variant is classified as a variant of unknown significance.

Eurofins Ntd Llc (ga)
Classification: Uncertain significance. Last evaluated: 2015-10-08. Review status: criteria provided, single submitter. Criteria: EGL Classification Definitions 2015. Collection method: clinical testing. Allele origin: germline. Observed: 2 variant alleles, 2 heterozygotes.

Laboratory for Molecular Medicine, Mass General Brigham Personalized Medicine
Classification: Likely benign. Last evaluated: 2015-09-17. Review status: criteria provided, single submitter. Criteria: LMM Criteria. Collection method: clinical testing. Allele origin: germline. Observed: 6 variant alleles.
Comment: p.Ser11Arg in exon 1 of DFNB31 variant is not expected to have clinical signific ance because it has been identified in 0.5% (10/1860) of European chromosomes by the Exome Aggregation Consortium (ExAC; dbSNP r s45527543). In addition, computational prediction tools and conservation data su ggest the variant may not impact the protein.

Literature cited by the submitters: PubMed 21569298 (cited by 4 submitters); PubMed 30245029 (cited by Women's Health and Genetics/Laboratory Corporation of America, LabCorp and Mayo Clinic Laboratories, Mayo Clinic); PubMed 23804846 (cited by Women's Health and Genetics/Laboratory Corporation of America, LabCorp); PubMed 32483926 (cited by Women's Health and Genetics/Laboratory Corporation of America, LabCorp and Mayo Clinic Laboratories, Mayo Clinic).

NM_015404.4(WHRN):c.33C>G (p.Ser11Arg)

Gene: WHRN (whirlin; minus strand). Cytogenetic location: 9q32.
Variant type: single nucleotide variant.
Coding change: c.33C>G on transcript NM_015404.4 (MANE Select); coding-DNA position 33, C replaced by G.
Protein change: p.Ser11Arg; replaces serine 11 with arginine.
Molecular consequence: missense variant.
Genome position (GRCh38, 1-based): chr9:114,504,769, G>C on the plus strand (C>G on the coding strand, the complement: WHRN is on the minus strand). VCF-style: chr9-114504769-G-C. GRCh37 (hg19) VCF-style: chr9-117267049-G-C.
Other names: c.33C>G, p.Ser11Arg (NM_001173425.2); short protein forms S11R.
Identifiers: ClinVar variation 45677 (VCV000045677.72), dbSNP rs45527543, ClinGen allele CA136922.